The following is an entry in ClinVar:

NC_000016.10:g.(?_89748649)_(89765076_?)del

Gene: FANCA (FA complementation group A; minus strand). Cytogenetic location: 16q24.3.
Variant type: Deletion.
Identifiers: ClinVar variation 830952 (VCV000830952.7).

ClinVar aggregate classification (germline): Pathogenic (1 of 4 stars; one submission).

Conditions:
Fanconi anemia (FA). Also called: Fanconi's anemia. Identifiers: Orphanet 84, MedGen C0015625, MeSH D005199, MONDO:0019391.

Submission:

Labcorp Genetics (formerly Invitae), Labcorp
Classification: Pathogenic for Fanconi anemia. Last evaluated: 2022-01-26. Review status: criteria provided, single submitter. Criteria: Invitae Variant Classification Sherloc (09022015). Collection method: clinical testing. Allele origin: germline.
Comment: This variant is a gross deletion of the genomic region encompassing exon(s) 28-33 of the FANCA gene. This variant would be expected to be in-frame, preserving the integrity of the reading frame. This variant has not been reported in the literature in individuals affected with FANCA-related conditions. The region of the FANCA gene that includes exon(s) 30 has been determined to be clinically significant (PMID: 10094191, 15059067, 15523645). Therefore, deletions that encompass that region are likely to be disease-causing. For these reasons, this variant has been classified as Pathogenic.

Literature cited by the submitters: PubMed 10094191; PubMed 15059067; PubMed 15523645.